The following is an entry in ClinVar:

NM_000742.4(CHRNA2):c.559del (p.Val187fs)

Gene: CHRNA2 (cholinergic receptor nicotinic alpha 2 subunit; minus strand). Cytogenetic location: 8p21.2.
Variant type: Deletion.
Coding change: c.559del on transcript NM_000742.4 (MANE Select); coding-DNA position 559, one base deleted (G; older notation c.559delG).
Protein change: p.Val187fs; shifts the reading frame from valine 187.
Molecular consequence: frameshift variant. On other transcripts: intron variant (2).
Genome position (GRCh38, 1-based): chr8:27,463,884, C deleted on the plus strand (G on the coding strand, the reverse complement: CHRNA2 is on the minus strand). VCF-style (leftmost placement, unchanged base first): chr8-27463883-AC-A. GRCh37 (hg19) VCF-style: chr8-27321400-AC-A.
Other names: c.514del, p.Val172fs (NM_001282455.2); c.82del, p.Val28fs (NM_001347705.2, NM_001347706.2); c.-12-24del (NM_001347708.2); c.-9-27del (NM_001347707.2); short protein forms V172fs, V187fs, V28fs.
Identifiers: ClinVar variation 4717725 (VCV004717725.1).
Genomic context (GRCh38, chr8:27,463,883, plus strand): 5'-TCATAAGTCCAGGAGCCAAACTTCATCTTGCAGTTCTGCTGGTCGAAGGGGAAGAAGGTG[AC>A]GTCGATGCTGCAGGAGCTCTTGTAGATGGCCGGGGGCACCCAGTGCACAGTGCCCGTGGA-3'

ClinVar aggregate classification (germline): Uncertain significance (1 of 4 stars; one submission).

Conditions:
Familial sleep-related hypermotor epilepsy. Also called: Autosomal Dominant Sleep-Related Hypermotor (Hyperkinetic) Epilepsy. Identifiers: Orphanet 98784, MedGen C3696898, MONDO:0000030.

Submission:

Labcorp Genetics (formerly Invitae), Labcorp
Classification: Uncertain significance. Last evaluated: 2025-05-02. Review status: criteria provided, single submitter. Criteria: Invitae Variant Classification Sherloc (09022015). Collection method: clinical testing. Allele origin: germline.
Comment: This sequence change creates a premature translational stop signal (p.Val187Serfs*13) in the CHRNA2 gene. It is expected to result in an absent or disrupted protein product. However, the current clinical and genetic evidence is not sufficient to establish whether loss-of-function variants in CHRNA2 cause disease. This variant is not present in population databases (gnomAD no frequency). This variant has not been reported in the literature in individuals affected with CHRNA2-related conditions. Algorithms developed to predict the effect of sequence changes on RNA splicing suggest that this variant may disrupt the consensus splice site. In summary, the available evidence is currently insufficient to determine the role of this variant in disease. Therefore, it has been classified as a Variant of Uncertain Significance.